The following is an entry in ClinVar:

NM_001029883.3(PCARE):c.537T>C (p.Pro179=)

Gene: PCARE (photoreceptor cilium actin regulator; minus strand). Cytogenetic location: 2p23.2.
Variant type: single nucleotide variant.
Coding change: c.537T>C on transcript NM_001029883.3 (MANE Select); coding-DNA position 537, T replaced by C.
Protein change: p.Pro179=; no amino-acid change (proline 179 retained).
Molecular consequence: synonymous variant.
Genome position (GRCh38, 1-based): chr2:29,073,725, A>G on the plus strand (T>C on the coding strand, the complement: PCARE is on the minus strand). VCF-style: chr2-29073725-A-G. GRCh37 (hg19) VCF-style: chr2-29296591-A-G.
Identifiers: ClinVar variation 193136 (VCV000193136.21), dbSNP rs201965800, ClinGen allele CA238642.
Genomic context (GRCh38, chr2:29,073,725, plus strand): 5'-TTCATATTTGGAGAGGCTGGAGTGTAGATAGGTGTAAGCCTGCTGGTGGGCCTTTACCAG[A>G]GGCTCCGGGAAGTCCACTTTGCCTTCAGGCTCATGAGCAGGGTGGATGGTTTGGTAGCAG-3'
Protein context (NP_001025054.1, residues 169-189): EPEGKVDFPE[Pro179=]LVKAHQQAYT

ClinVar aggregate classification (germline): Conflicting classifications of pathogenicity. Review status: criteria provided, conflicting classifications (1 of 4 stars). 5 submissions from 5 submitters: Uncertain significance (2); Benign (1); Likely benign (2). Last evaluated 2026-01-04.

Conditions:
Retinitis pigmentosa (RP). Identifiers: Orphanet 791, MedGen C0035334, MeSH D012174, MONDO:0019200, OMIM 268000. Inheritance: Autosomal dominant, autosomal recessive and X linked inheritance.

Allele frequency attached by ClinVar (database versions not stated): ExAC 0.00022; TOPMed 0.00024; ESP Exome Variant Server 0.00040.
gnomAD v4.1: 246 of 1,614,026 alleles (0.015%); highest among the groups gnomAD compares: Middle Eastern, 0.16%; no homozygotes.

Submissions (5):

Labcorp Genetics (formerly Invitae), Labcorp
Classification: Benign. Last evaluated: 2026-01-04. Review status: criteria provided, single submitter. Criteria: Invitae Variant Classification Sherloc (09022015). Collection method: clinical testing. Allele origin: germline.

CeGaT Center for Human Genetics Tuebingen
Classification: Likely benign. Last evaluated: 2026-01-01. Review status: criteria provided, single submitter. Criteria: CeGaT Center For Human Genetics Tuebingen Variant Classification Criteria Version 2. Collection method: clinical testing. Allele origin: germline. Affected: yes. Observed: 1 variant allele.
Comment: PCARE: BP4, BP7

Blueprint Genetics
Classification: Likely benign. Last evaluated: 2024-10-25. Review status: criteria provided, single submitter. Criteria: ACMG Guidelines, 2015. Collection method: clinical testing. Allele origin: germline.

Illumina Laboratory Services, Illumina
Classification: Uncertain significance for Retinitis pigmentosa. Last evaluated: 2018-01-13. Review status: criteria provided, single submitter. Criteria: ICSL Variant Classification Criteria 13 December 2019. Collection method: clinical testing. Allele origin: germline.

Eurofins Ntd Llc (ga)
Classification: Uncertain significance. Last evaluated: 2014-05-19. Review status: criteria provided, single submitter. Criteria: EGL Classification Definitions 2015. Collection method: clinical testing. Allele origin: germline. Observed: 1 variant allele, 1 heterozygote.